The following is an entry in ClinVar:

ClinVar aggregate classification (germline): Conflicting classifications of pathogenicity. Review status: criteria provided, conflicting classifications (1 of 4 stars). 2 submissions from 2 submitters: Uncertain significance (1); Benign (1). Last evaluated 2026-01-24.

Allele frequency attached by ClinVar (database versions not stated): ExAC 0.00002; gnomAD 0.00012; ESP Exome Variant Server 0.00015; TOPMed 0.00015.
gnomAD v4.1: 28 of 1,613,868 alleles (0.0017%); highest among the groups gnomAD compares: African/African-American, 0.037%; no homozygotes.

Submissions (2):

Labcorp Genetics (formerly Invitae), Labcorp
Classification: Benign. Last evaluated: 2026-01-24. Review status: criteria provided, single submitter. Criteria: Invitae Variant Classification Sherloc (09022015). Collection method: clinical testing. Allele origin: germline.

Genetic Services Laboratory, University of Chicago
Classification: Uncertain significance. Last evaluated: 2023-02-22. Review status: criteria provided, single submitter. Criteria: ACMG Guidelines, 2015. Collection method: clinical testing. Allele origin: germline. Affected: no.
Comment: DNA sequence analysis of the NPHS1 gene demonstrated a sequence change, c.3367C>G, in exon 26 that results in an amino acid change, p.Arg1123Gly. This sequence change has been described in the gnomAD database with a frequency of 0.048% in the African/African American subpopulation (dbSNP rs373931233). The p.Arg1123Gly change affects a poorly conserved amino acid residue located in a domain of the NPHS1 protein that is not known to be functional. The p.Arg1123Gly substitution appears to be benign using several in-silico pathogenicity prediction tools (SIFT, PolyPhen2, Align GVGD, REVEL). This sequence change does not appear to have been previously described in individuals with NPHS1-related disorders. Due to insufficient evidence and the lack of functional studies, the clinical significance of the p.Arg1123Gly change remains unknown at this time.

NM_004646.4(NPHS1):c.3367C>G (p.Arg1123Gly)

Gene: NPHS1 (NPHS1 adhesion molecule, nephrin; minus strand). Cytogenetic location: 19q13.12.
Variant type: single nucleotide variant.
Coding change: c.3367C>G on transcript NM_004646.4 (MANE Select); coding-DNA position 3367, C replaced by G.
Protein change: p.Arg1123Gly; replaces arginine 1123 with glycine.
Molecular consequence: missense variant.
Genome position (GRCh38, 1-based): chr19:35,831,316, G>C on the plus strand (C>G on the coding strand, the complement: NPHS1 is on the minus strand). VCF-style: chr19-35831316-G-C. GRCh37 (hg19) VCF-style: chr19-36322218-G-C.
Other names: short protein forms R1123G.
Identifiers: ClinVar variation 2185101 (VCV002185101.6), dbSNP rs373931233, ClinGen allele CA9389794.